The following is an entry in ClinVar:

ClinVar aggregate classification (germline): Uncertain significance. Review status: criteria provided, multiple submitters, no conflicts (2 of 4 stars). 2 submissions from 2 submitters: Uncertain significance (2). Last evaluated 2025-08-06.

Conditions:
Hypogonadotropic hypogonadism 3 with or without anosmia (HH3). Also called: HYPOGONADOTROPIC HYPOGONADISM 3 WITH ANOSMIA; PROKR2-Related GnRH Deficiency (Kallmann Syndrome 3). Identifiers: Orphanet 478, MedGen C3550478, MONDO:0009482, OMIM 244200.

gnomAD v4.1: 113 of 1,614,232 alleles (0.007%); highest among the groups gnomAD compares: African/African-American, 0.13%; no homozygotes.

Submissions (2):

Labcorp Genetics (formerly Invitae), Labcorp
Classification: Uncertain significance. Last evaluated: 2025-08-06. Review status: criteria provided, single submitter. Criteria: Invitae Variant Classification Sherloc (09022015). Collection method: clinical testing. Allele origin: germline.
Comment: This sequence change replaces arginine, which is basic and polar, with cysteine, which is neutral and slightly polar, at codon 264 of the PROKR2 protein (p.Arg264Cys). This variant is present in population databases (rs148868355, gnomAD 0.1%). This missense change has been observed in individual(s) with hypogonadotropic hypogonadism (PMID: 33983622). ClinVar contains an entry for this variant (Variation ID: 3587515). Invitae Evidence Modeling of protein sequence and biophysical properties (such as structural, functional, and spatial information, amino acid conservation, physicochemical variation, residue mobility, and thermodynamic stability) has been performed for this missense variant. However, the output from this modeling did not meet the statistical confidence thresholds required to predict the impact of this variant on PROKR2 protein function. Experimental studies have shown that this missense change affects PROKR2 function (PMID: 29161432). In summary, the available evidence is currently insufficient to determine the role of this variant in disease. Therefore, it has been classified as a Variant of Uncertain Significance.

Fulgent Genetics
Classification: Uncertain significance for Hypogonadotropic hypogonadism 3 with or without anosmia. Last evaluated: 2024-04-24. Review status: criteria provided, single submitter. Criteria: ACMG Guidelines, 2015. Collection method: clinical testing. Allele origin: germline.

Literature cited by the submitters: PubMed 33983622 (cited by Labcorp Genetics (formerly Invitae), Labcorp); PubMed 29161432 (cited by Labcorp Genetics (formerly Invitae), Labcorp).

NM_144773.4(PROKR2):c.790C>T (p.Arg264Cys)

Gene: PROKR2 (prokineticin receptor 2; minus strand). Cytogenetic location: 20p12.3.
Variant type: single nucleotide variant.
Coding change: c.790C>T on transcript NM_144773.4 (MANE Select); coding-DNA position 790, C replaced by T.
Protein change: p.Arg264Cys; replaces arginine 264 with cysteine.
Molecular consequence: missense variant.
Genome position (GRCh38, 1-based): chr20:5,302,405, G>A on the plus strand (C>T on the coding strand, the complement: PROKR2 is on the minus strand). VCF-style: chr20-5302405-G-A. GRCh37 (hg19) VCF-style: chr20-5283051-G-A.
Other names: short protein forms R264C.
Identifiers: ClinVar variation 3587515 (VCV003587515.3).